The following is an entry in ClinVar:

NM_003764.4(STX11):c.122T>C (p.Leu41Pro)

Gene: STX11 (syntaxin 11; plus strand). Cytogenetic location: 6q24.2.
Variant type: single nucleotide variant.
Coding change: c.122T>C on transcript NM_003764.4 (MANE Select); coding-DNA position 122, T replaced by C.
Protein change: p.Leu41Pro; replaces leucine 41 with proline.
Molecular consequence: missense variant.
Genome position (GRCh38, 1-based): chr6:144,186,749, T>C. VCF-style: chr6-144186749-T-C. GRCh37 (hg19) VCF-style: chr6-144507886-T-C.
Other names: short protein forms L41P.
Identifiers: ClinVar variation 1903679 (VCV001903679.5), dbSNP rs751929025, ClinGen allele CA365948579.

ClinVar aggregate classification (germline): Uncertain significance (1 of 4 stars; one submission).

Conditions:
Familial hemophagocytic lymphohistiocytosis 4 (FHL4). Also called: STX11-Related Familial Hemophagocytic Lymphohistiocytosis (STX11-fHLH). Identifiers: Orphanet 540, MedGen C1863728, MONDO:0011336, OMIM 603552.

Submission:

Labcorp Genetics (formerly Invitae), Labcorp
Classification: Uncertain significance for Familial hemophagocytic lymphohistiocytosis 4. Last evaluated: 2022-11-05. Review status: criteria provided, single submitter. Criteria: Invitae Variant Classification Sherloc (09022015). Collection method: clinical testing. Allele origin: germline.
Comment: In summary, the available evidence is currently insufficient to determine the role of this variant in disease. Therefore, it has been classified as a Variant of Uncertain Significance. Advanced modeling of protein sequence and biophysical properties (such as structural, functional, and spatial information, amino acid conservation, physicochemical variation, residue mobility, and thermodynamic stability) performed at Invitae indicates that this missense variant is not expected to disrupt STX11 protein function. This variant has not been reported in the literature in individuals affected with STX11-related conditions. This variant is not present in population databases (gnomAD no frequency). This sequence change replaces leucine, which is neutral and non-polar, with proline, which is neutral and non-polar, at codon 41 of the STX11 protein (p.Leu41Pro).